The following is an entry in ClinVar:

NM_001182.5(ALDH7A1):c.605G>T (p.Gly202Val)

Gene: ALDH7A1 (aldehyde dehydrogenase 7 family member A1; minus strand). Cytogenetic location: 5q23.2.
Variant type: single nucleotide variant.
Coding change: c.605G>T on transcript NM_001182.5 (MANE Select); coding-DNA position 605, G replaced by T.
Protein change: p.Gly202Val; replaces glycine 202 with valine.
Molecular consequence: missense variant.
Genome position (GRCh38, 1-based): chr5:126,577,124, C>A on the plus strand (G>T on the coding strand, the complement: ALDH7A1 is on the minus strand). VCF-style: chr5-126577124-C-A. GRCh37 (hg19) VCF-style: chr5-125912816-C-A.
Other names: c.521G>T, p.Gly174Val (NM_001201377.2); c.605G>T, p.Gly202Val (NM_001202404.2); short protein forms G174V, G202V.
Identifiers: ClinVar variation 3339181 (VCV003339181.1).
Genomic context (GRCh38, chr5:126,577,124, plus strand): 5'-GTGAGCAGGTCTTACCAGAGGCAGACATTTCCACAGATCATGGCGATGGCGTTGTTCCAA[C>A]CATACACTGCCACAGGGAAATTGAATGCCGTGATGATTCCAACCAGGCCTACGGGATTCC-3'
Protein context (NP_001173.2, residues 192-212): TAFNFPVAVY[Gly202Val]WNNAIAMICG

ClinVar aggregate classification (germline): Likely pathogenic (1 of 4 stars; one submission).

Conditions:
Pyridoxine-dependent epilepsy (EPEO4). Also called: PYRIDOXINE DEPENDENCY WITH SEIZURES; Pyridoxine-Dependent Seizures; Pyridoxine-Dependent Epilepsy - ALDH7A1; EPILEPSY, EARLY-ONSET, 4, VITAMIN B6-DEPENDENT. Identifiers: Orphanet 3006, MedGen C1849508, MONDO:0009945, OMIM 266100. Disease mechanism: loss of function.

Submission:

Women's Health and Genetics/Laboratory Corporation of America, LabCorp
Classification: Likely pathogenic for Pyridoxine-dependent epilepsy. Last evaluated: 2024-07-02. Review status: criteria provided, single submitter. Criteria: LabCorp Variant Classification Summary - May 2015. Collection method: clinical testing. Allele origin: germline.
Comment: Variant summary: ALDH7A1 c.605G>T (p.Gly202Val) results in a non-conservative amino acid change located in the Aldehyde dehydrogenase domain (IPR015590) of the encoded protein sequence. Five of five in-silico tools predict a damaging effect of the variant on protein function. The variant was absent in 251490 control chromosomes. c.605G>T has been reported in the literature as a compound heterozygous genotype in an individual affected with Pyridoxine-Dependent Epilepsy (Plecko_2007, Kanno_2007). These report(s) do not provide unequivocal conclusions about association of the variant with Pyridoxine-Dependent Epilepsy. At least one publication reports experimental evidence evaluating an impact on protein function. The most pronounced variant effect results in an insoluable protein that cannot be purified for biochemical analysis (Laciak_2020). The following publications have been ascertained in the context of this evaluation (PMID: 17433748, 31302938, 17068770). No submitters have cited clinical-significance assessments for this variant to ClinVar. Based on the evidence outlined above, the variant was classified as likely pathogenic.

Literature cited by the submitters: PubMed 31302938; PubMed 17068770; PubMed 17433748.